The following is an entry in ClinVar:

NM_000038.6(APC):c.8232T>C (p.Asn2744=)

Gene: APC (APC regulator of Wnt signaling pathway; plus strand). Cytogenetic location: 5q22.2.
Variant type: single nucleotide variant.
Coding change: c.8232T>C on transcript NM_000038.6 (MANE Select); coding-DNA position 8232, T replaced by C.
Protein change: p.Asn2744=; no amino-acid change (asparagine 2744 retained).
Molecular consequence: synonymous variant. On other transcripts: non-coding transcript variant (2).
Genome position (GRCh38, 1-based): chr5:112,843,826, T>C. VCF-style: chr5-112843826-T-C. GRCh37 (hg19) VCF-style: chr5-112179523-T-C.
Other names: c.8232T>C, p.Asn2744= (NM_001127510.3, NM_001354895.2, NM_001407450.1); c.8178T>C, p.Asn2726= (NM_001127511.3); c.8286T>C, p.Asn2762= (NM_001354896.2, NM_001407447.1, NM_001407448.1 and 1 more transcripts); c.8262T>C, p.Asn2754= (NM_001354897.2); c.8157T>C, p.Asn2719= (NM_001354898.2); c.8148T>C, p.Asn2716= (NM_001354899.2); c.8109T>C, p.Asn2703= (NM_001354900.2); c.8055T>C, p.Asn2685= (NM_001354901.2, NM_001407453.1); and 11 more.
Identifiers: ClinVar variation 3253901 (VCV003253901.1), dbSNP rs2533853709.

ClinVar aggregate classification (germline): Benign (1 of 4 stars; one submission).

Conditions:
Familial adenomatous polyposis 1 (FAP1). Also called: POLYPOSIS, ADENOMATOUS INTESTINAL; FAMILIAL ADENOMATOUS POLYPOSIS 1, ATTENUATED. Identifiers: MedGen C2713442, MONDO:0021056, OMIM 175100. Disease mechanism: loss of function.

Submission:

Myriad Genetics, Inc.
Classification: Benign for Familial adenomatous polyposis 1. Last evaluated: 2024-04-15. Review status: criteria provided, single submitter. Criteria: Myriad Autosomal Dominant, Autosomal Recessive and X-Linked Classification Criteria (2023). Collection method: clinical testing. Allele origin: unknown.
Comment: This variant is considered benign. This variant is a silent/synonymous amino acid change and it is not expected to impact splicing.